The following is an entry in ClinVar:

GRCh37/hg19 1q21.1(chr1:144810725-146858488)x1

Genes: ANKRD34A (ankyrin repeat domain 34A; minus strand), ANKRD35 (ankyrin repeat domain 35; minus strand), CD160 (CD160 molecule; plus strand), CHD1L (chromodomain helicase DNA binding protein 1 like; plus strand), FMO5 (flavin containing dimethylaniline monoxygenase 5; minus strand) and 20 more. Cytogenetic location: 1q21.1.
Variant type: copy number loss.
Change: copy number 1 (one copy instead of two) of chr1:144,810,725-146,858,488 (2.05 Mb, GRCh37 coordinates, 1-based), cytogenetic band 1q21.1.
Identifiers: ClinVar variation 60010 (VCV000060010.1).

ClinVar aggregate classification (germline): Pathogenic (1 of 4 stars; one submission).

Submission:

ISCA site 14
Classification: Pathogenic. Last evaluated: 2011-08-12. Review status: criteria provided, single submitter. Criteria: Kaminsky et al. (Genet Med. 2011). Collection method: clinical testing. Allele origin: unknown. Affected: yes. Observed: 1 variant allele.
Comment: Copy number variation identified through the course of routine clinical cytogenomic testing in postnatal populations. Clinical assertions have been curated as described in Kaminsky et al. 2011.